The following is an entry in ClinVar:

ClinVar aggregate classification (germline): Uncertain significance (1 of 4 stars; one submission).

gnomAD v4.1: 1 of 1,611,828 alleles (0.000062%); highest among the groups gnomAD compares: Non-Finnish European, 0.000085%; no homozygotes.

Submission:

GeneDx
Classification: Uncertain significance. Last evaluated: 2024-01-07. Review status: criteria provided, single submitter. Criteria: GeneDx Variant Classification Process June 2021. Collection method: clinical testing. Allele origin: germline. Affected: yes.
Comment: Not observed at significant frequency in large population cohorts (gnomAD); In silico analysis supports that this missense variant has a deleterious effect on protein structure/function; Has not been previously published as pathogenic or benign to our knowledge

NM_031418.4(ANO3):c.1399T>A (p.Phe467Ile)

Genes: ANO3 (anoctamin 3; plus strand), MUC15 (mucin 15, cell surface associated; minus strand). Cytogenetic location: 11p14.2.
Variant type: single nucleotide variant.
Coding change: c.1399T>A on transcript NM_031418.4 (MANE Select); coding-DNA position 1399, T replaced by A.
Protein change: p.Phe467Ile; replaces phenylalanine 467 with isoleucine.
Molecular consequence: missense variant. On other transcripts: 3 prime UTR variant (3).
Genome position (GRCh38, 1-based): chr11:26,559,731, T>A. VCF-style: chr11-26559731-T-A. GRCh37 (hg19) VCF-style: chr11-26581278-T-A.
Other names: c.*1334A>T (NM_001135091.2, NM_001135092.2, NM_145650.4); c.1582T>A, p.Phe528Ile (NM_001313726.2); c.961T>A, p.Phe321Ile (NM_001313727.2); short protein forms F321I, F467I, F528I.
Identifiers: ClinVar variation 3367567 (VCV003367567.1).
Genomic context (GRCh38, chr11:26,559,731, plus strand): 5'-ATTATAATCAATTTGCATGACTAATATTTCTGTTTGTTTTCTACTCAGGTGACATATTTG[T>A]TCGATAATGGAGGGACAGTCTTCTTTGCTATTTTTATGGCAATATGGGGTAAGTACTTTC-3'
Protein context (NP_113606.2, residues 457-477): SCIYAKVTYL[Phe467Ile]DNGGTVFFAI